The following is an entry in ClinVar:

ClinVar aggregate classification (germline): Uncertain significance. Review status: criteria provided, multiple submitters, no conflicts (2 of 4 stars). 2 submissions from 2 submitters: Uncertain significance (2). Last evaluated 2024-04-22.

Conditions:
Osteogenesis imperfecta type I (OI1). Also called: OI, TYPE I; OSTEOGENESIS IMPERFECTA TARDA; OSTEOGENESIS IMPERFECTA WITH BLUE SCLERAE; Osteogenesis imperfecta type 1; Classic Non-deforming Osteogenesis Imperfecta with Blue Sclerae; Lobstein's Disease. Identifiers: Orphanet 216796, Orphanet 666, MedGen C0023931, MONDO:0008146, OMIM 166200. Disease mechanism: loss of function.
Ehlers-Danlos syndrome, classic type, 1 (EDSCL1). Also called: EHLERS-DANLOS SYNDROME, GRAVIS TYPE; EHLERS-DANLOS SYNDROME, SEVERE CLASSIC TYPE; EDS I; Ehlers-Danlos Syndrome, Classic Type, COL5A1-Related; Ehlers-Danlos syndrome, type 1. Identifiers: MedGen C0268335, MONDO:0019567, OMIM 130000.
COL1A2-related disorder. Also called: COL1A2-related condition; COL1A2-Related Disorders.

Allele frequency attached by ClinVar (database versions not stated): gnomAD 0.00001; TOPMed below 0.00001.
gnomAD v4.1: 1 of 1,613,968 alleles (0.000062%); highest among the groups gnomAD compares: Non-Finnish European, 0.000085%; no homozygotes.

Submissions (2):

Labcorp Genetics (formerly Invitae), Labcorp
Classification: Uncertain significance for Osteogenesis imperfecta type I; Ehlers-Danlos syndrome, classic type, 1. Last evaluated: 2024-04-22. Review status: criteria provided, single submitter. Criteria: Invitae Variant Classification Sherloc (09022015). Collection method: clinical testing. Allele origin: germline.
Comment: This sequence change replaces isoleucine, which is neutral and non-polar, with methionine, which is neutral and non-polar, at codon 1329 of the COL1A2 protein (p.Ile1329Met). This variant is not present in population databases (gnomAD no frequency). This variant has not been reported in the literature in individuals affected with COL1A2-related conditions. ClinVar contains an entry for this variant (Variation ID: 973299). Advanced modeling of protein sequence and biophysical properties (such as structural, functional, and spatial information, amino acid conservation, physicochemical variation, residue mobility, and thermodynamic stability) performed at Invitae indicates that this missense variant is not expected to disrupt COL1A2 protein function with a negative predictive value of 80%. In summary, the available evidence is currently insufficient to determine the role of this variant in disease. Therefore, it has been classified as a Variant of Uncertain Significance.

Illumina Laboratory Services, Illumina
Classification: Uncertain significance for COL1A2-related disorders. Last evaluated: 2019-11-01. Review status: criteria provided, single submitter. Criteria: ICSLVariantClassificationCriteria RUGD 01 April 2020. Collection method: clinical testing. Allele origin: unknown.
Comment: The COL1A2 c.3987T>G (p.Ile1329Met) variant is a missense variant. A literature search was performed for the gene, cDNA change, and amino acid change. No publications were found based on this search. This variant is not found in the Genome Aggregation Database despite good sequence coverage, so the variant is presumed to be rare. Based on the limited evidence, the p.Ile1329Met variant is classified as a variant of unknown significance for COL1A2-related disorders.

NM_000089.4(COL1A2):c.3987T>G (p.Ile1329Met)

Gene: COL1A2 (collagen type I alpha 2 chain; plus strand). Cytogenetic location: 7q21.3.
Variant type: single nucleotide variant.
Coding change: c.3987T>G on transcript NM_000089.4 (MANE Select); coding-DNA position 3987, T replaced by G.
Protein change: p.Ile1329Met; replaces isoleucine 1329 with methionine.
Molecular consequence: missense variant.
Genome position (GRCh38, 1-based): chr7:94,430,279, T>G. VCF-style: chr7-94430279-T-G. GRCh37 (hg19) VCF-style: chr7-94059591-T-G.
Other names: short protein forms I1329M.
Identifiers: ClinVar variation 973299 (VCV000973299.6), dbSNP rs923309099, ClinGen allele CA162942576.